The following is an entry in ClinVar:

ClinVar aggregate classification (germline): Uncertain significance (1 of 4 stars; one submission).

Allele frequency attached by ClinVar (database versions not stated): ExAC 0.00003.
gnomAD v4.1: 12 of 1,613,028 alleles (0.00074%); highest among the groups gnomAD compares: Admixed American, 0.015%; no homozygotes.

Submission:

Labcorp Genetics (formerly Invitae), Labcorp
Classification: Uncertain significance. Last evaluated: 2022-03-01. Review status: criteria provided, single submitter. Criteria: Invitae Variant Classification Sherloc (09022015). Collection method: clinical testing. Allele origin: germline.
Comment: This variant is present in population databases (rs774983612, gnomAD 0.02%). This sequence change falls in intron 2 of the ASCC1 gene. It does not directly change the encoded amino acid sequence of the ASCC1 protein. This variant has not been reported in the literature in individuals affected with ASCC1-related conditions. Algorithms developed to predict the effect of sequence changes on RNA splicing suggest that this variant may disrupt the consensus splice site. In summary, the available evidence is currently insufficient to determine the role of this variant in disease. Therefore, it has been classified as a Variant of Uncertain Significance.

NM_001198800.3(ASCC1):c.113-6G>T

Gene: ASCC1 (activating signal cointegrator 1 complex subunit 1; minus strand). Cytogenetic location: 10q22.1.
Variant type: single nucleotide variant.
Coding change: c.113-6G>T on transcript NM_001198800.3 (MANE Select); 6 bases into the intron before coding-DNA position 113, G replaced by T.
Molecular consequence: intron variant.
Genome position (GRCh38, 1-based): chr10:72,210,837, C>A on the plus strand (G>T on the coding strand, the complement: ASCC1 is on the minus strand). VCF-style: chr10-72210837-C-A. GRCh37 (hg19) VCF-style: chr10-73970595-C-A.
Other names: c.179-6G>T (NM_001369099.1, NM_001369086.1, NM_001369085.1); c.113-6G>T (NM_001369112.1, NM_001369108.1, NM_001369103.1 and 19 more transcripts); c.-5-6G>T (NM_001369105.1, NM_001369102.1, NM_001369106.1 and 2 more transcripts).
Identifiers: ClinVar variation 2199370 (VCV002199370.4), dbSNP rs774983612, ClinGen allele CA5549146.